The following is an entry in ClinVar:

ClinVar aggregate classification (germline): Benign (1 of 4 stars; one submission).

Allele frequency attached by ClinVar (database versions not stated): ExAC 0.00102; 1000 Genomes Project 30x 0.00125; gnomAD 0.00134 and 0.00139; 1000 Genomes Project 0.00140; gnomAD exomes 0.00149 and 0.00155; TOPMed 0.00220.

Submission:

GeneDx
Classification: Benign. Last evaluated: 2015-07-17. Review status: criteria provided, single submitter. Criteria: GeneDx Variant Classification (06012015). Collection method: clinical testing. Allele origin: germline. Affected: yes.
Comment: This variant is considered likely benign or benign based on one or more of the following criteria: it is a conservative change, it occurs at a poorly conserved position in the protein, it is predicted to be benign by multiple in silico algorithms, and/or has population frequency not consistent with disease.

NM_001243279.3(ACSF3):c.-193-14A>G

Gene: ACSF3 (acyl-CoA synthetase family member 3; plus strand). Cytogenetic location: 16q24.3.
Variant type: single nucleotide variant.
Coding change: c.-193-14A>G on transcript NM_001243279.3 (MANE Select); 14 bases into the intron before 193 bases upstream of the start codon, A replaced by G.
Molecular consequence: intron variant.
Genome position (GRCh38, 1-based): chr16:89,098,577, A>G. VCF-style: chr16-89098577-A-G. GRCh37 (hg19) VCF-style: chr16-89164985-A-G.
Other names: c.-20-2085A>G (NM_001127214.4); c.-193-14A>G (NM_174917.5); c.-129-4027A>G (NM_001284316.2).
Identifiers: ClinVar variation 377429 (VCV000377429.1), dbSNP rs181386231, ClinGen allele CA8237447.
Genomic context (GRCh38, chr16:89,098,577, plus strand): 5'-GAGTGTTGAGTGTTGTGCCTGTGGGAAGCGTTATACACACAGCCTGGGACCTCAGCACAG[A>G]TGCCCGTTGACAGGTGTCCCACCGGCCTTCCGGGTTCCAGCGCCAGGCCTGGTGCCTGCC-3'